The following is an entry in ClinVar:

NM_001134363.3(RBM20):c.1316A>T (p.Lys439Ile)

Gene: RBM20 (RNA binding motif protein 20; plus strand). Cytogenetic location: 10q25.2.
Variant type: single nucleotide variant.
Coding change: c.1316A>T on transcript NM_001134363.3 (MANE Select); coding-DNA position 1316, A replaced by T.
Protein change: p.Lys439Ile; replaces lysine 439 with isoleucine.
Molecular consequence: missense variant.
Genome position (GRCh38, 1-based): chr10:110,783,406, A>T. VCF-style: chr10-110783406-A-T. GRCh37 (hg19) VCF-style: chr10-112543164-A-T.
Other names: short protein forms K439I.
Identifiers: ClinVar variation 1366880 (VCV001366880.8), dbSNP rs2135048113, ClinGen allele CA378387365.

ClinVar aggregate classification (germline): Uncertain significance (1 of 4 stars; one submission).

Conditions:
Dilated cardiomyopathy 1DD (CMD1DD). Identifiers: Orphanet 154, MedGen C2750995, MONDO:0013168, OMIM 613172.

Submission:

Labcorp Genetics (formerly Invitae), Labcorp
Classification: Uncertain significance for Dilated cardiomyopathy 1DD. Last evaluated: 2023-05-15. Review status: criteria provided, single submitter. Criteria: Invitae Variant Classification Sherloc (09022015). Collection method: clinical testing. Allele origin: germline.
Comment: In summary, the available evidence is currently insufficient to determine the role of this variant in disease. Therefore, it has been classified as a Variant of Uncertain Significance. Advanced modeling of protein sequence and biophysical properties (such as structural, functional, and spatial information, amino acid conservation, physicochemical variation, residue mobility, and thermodynamic stability) performed at Invitae indicates that this missense variant is not expected to disrupt RBM20 protein function. ClinVar contains an entry for this variant (Variation ID: 1366880). This variant has not been reported in the literature in individuals affected with RBM20-related conditions. This variant is not present in population databases (gnomAD no frequency). This sequence change replaces lysine, which is basic and polar, with isoleucine, which is neutral and non-polar, at codon 439 of the RBM20 protein (p.Lys439Ile).